The following is an entry in ClinVar:

ClinVar aggregate classification (germline): Conflicting classifications of pathogenicity. Review status: criteria provided, conflicting classifications (1 of 4 stars). 3 submissions from 3 submitters: Uncertain significance (1); Likely benign (1). 1 of the submissions does not count toward it. Last evaluated 2025-12-01.

Conditions:
LAMB2-related infantile-onset nephrotic syndrome. Also called: Nephrotic Syndrome, type 5; NEPHROTIC SYNDROME, TYPE 5, WITHOUT OCULAR ABNORMALITIES; NEPHROTIC SYNDROME, TYPE 5, WITH OCULAR ABNORMALITIES. Identifiers: Orphanet 306507, MedGen C3280113, MONDO:0013621, OMIM 614199.
Pierson syndrome. Also called: MICROCORIA-CONGENITAL NEPHROTIC SYNDROME. Identifiers: Orphanet 2670, MedGen C1836876, MONDO:0012184, OMIM 609049.
LAMB2-related disorder. Also called: LAMB2-related condition.
Inborn genetic diseases. Identifiers: MedGen C0950123, MeSH D030342.

Allele frequency attached by ClinVar (database versions not stated): gnomAD exomes 0.00004 and 0.00014; gnomAD 0.00006 and 0.00011; TOPMed 0.00014; ExAC 0.00017; 1000 Genomes Project 0.00060; 1000 Genomes Project 30x 0.00062.
gnomAD v4.1: 95 of 1,614,062 alleles (0.0059%); highest among the groups gnomAD compares: East Asian, 0.12%; 1 homozygote.

Submissions (3):

Labcorp Genetics (formerly Invitae), Labcorp
Classification: Uncertain significance for LAMB2-related infantile-onset nephrotic syndrome; Pierson syndrome. Last evaluated: 2025-12-01. Review status: criteria provided, single submitter. Criteria: Invitae Variant Classification Sherloc (09022015). Collection method: clinical testing. Allele origin: germline.
Comment: This sequence change replaces histidine, which is basic and polar, with tyrosine, which is neutral and polar, at codon 443 of the LAMB2 protein (p.His443Tyr). This variant is present in population databases (rs200732790, gnomAD 0.2%). This variant has not been reported in the literature in individuals affected with LAMB2-related conditions. ClinVar contains an entry for this variant (Variation ID: 1375456). An algorithm developed to predict the effect of missense changes on protein structure and function (PolyPhen-2) suggests that this variant is likely to be tolerated. In summary, the available evidence is currently insufficient to determine the role of this variant in disease. Therefore, it has been classified as a Variant of Uncertain Significance.

Ambry Genetics
Classification: Likely benign for Inborn genetic diseases. Last evaluated: 2024-12-11. Review status: criteria provided, single submitter. Criteria: Ambry Variant Classification Scheme 2023. Collection method: clinical testing. Allele origin: germline.

PreventionGenetics, part of Exact Sciences
Classification: Likely benign for LAMB2-related condition. Last evaluated: 2022-03-21. Review status: no assertion criteria provided. Collection method: clinical testing. Allele origin: germline. Not counted in ClinVar's aggregate classification.
Comment: This variant is classified as likely benign based on ACMG/AMP sequence variant interpretation guidelines (Richards et al. 2015 PMID: 25741868, with internal and published modifications).

NM_002292.4(LAMB2):c.1327C>T (p.His443Tyr)

Gene: LAMB2 (laminin subunit beta 2; minus strand). Cytogenetic location: 3p21.31.
Variant type: single nucleotide variant.
Coding change: c.1327C>T on transcript NM_002292.4 (MANE Select); coding-DNA position 1327, C replaced by T.
Protein change: p.His443Tyr; replaces histidine 443 with tyrosine.
Molecular consequence: missense variant.
Genome position (GRCh38, 1-based): chr3:49,129,917, G>A on the plus strand (C>T on the coding strand, the complement: LAMB2 is on the minus strand). VCF-style: chr3-49129917-G-A. GRCh37 (hg19) VCF-style: chr3-49167350-G-A.
Other names: c.1327C>T (NM_002292.3); short protein forms H443Y.
Identifiers: ClinVar variation 1375456 (VCV001375456.11), dbSNP rs200732790, ClinGen allele CA2394627.